The following is an entry in ClinVar:

ClinVar aggregate classification (germline): Uncertain significance (1 of 4 stars; one submission).

Conditions:
Brugada syndrome 3 (BRGDA3). Identifiers: Orphanet 130, MedGen C2678478, MONDO:0012742, OMIM 611875.
Long QT syndrome 8. Identifiers: MedGen CN260585, MONDO:0032756, OMIM 618447.

Submission:

Dr. med. U. Finckh, Human Genetics, Eurofins MVZ
Classification: Uncertain significance for Brugada syndrome 3; Long QT syndrome 8. Last evaluated: 2023-01-01. Review status: criteria provided, single submitter. Criteria: ACMG Guidelines, 2015. Collection method: clinical testing. Allele origin: unknown.

NM_000719.7(CACNA1C):c.2181G>T (p.Met727Ile)

Gene: CACNA1C (calcium voltage-gated channel subunit alpha1 C; plus strand). Cytogenetic location: 12p13.33.
Variant type: single nucleotide variant.
Coding change: c.2181G>T on transcript NM_000719.7 (MANE Select); coding-DNA position 2181, G replaced by T.
Protein change: p.Met727Ile; replaces methionine 727 with isoleucine.
Molecular consequence: missense variant.
Genome position (GRCh38, 1-based): chr12:2,582,899, G>T. VCF-style: chr12-2582899-G-T. GRCh37 (hg19) VCF-style: chr12-2692065-G-T.
Other names: c.2181G>T, p.Met727Ile (NM_001129843.2, NM_001129846.2, NM_001167623.2 and 18 more transcripts); c.2172G>T, p.Met724Ile (NM_001129844.2); short protein forms M724I, M727I.
Identifiers: ClinVar variation 2505537 (VCV002505537.1), dbSNP rs2514938675, ClinGen allele CA383371208.